The following is an entry in ClinVar:

ClinVar aggregate classification (germline): Benign/Likely benign. Review status: criteria provided, multiple submitters, no conflicts (2 of 4 stars). 5 submissions from 5 submitters: Benign (2); Likely benign (3). Last evaluated 2026-02-03.

Conditions:
Noonan syndrome 2 (NS2). Identifiers: Orphanet 648, MedGen C1854469, MONDO:0011531, OMIM 605275.
LZTR1-related schwannomatosis. Also called: Schwannomatosis 2; Schwannomatosis-2, susceptibility to. Identifiers: Orphanet 93921, MedGen C3810283, MONDO:0014299, OMIM 615670.
Noonan syndrome 10 (NS10). Identifiers: Orphanet 648, MedGen C4225280, MONDO:0014693, OMIM 616564.

Submissions (5):

Labcorp Genetics (formerly Invitae), Labcorp
Classification: Benign. Last evaluated: 2026-02-03. Review status: criteria provided, single submitter. Criteria: Invitae Variant Classification Sherloc (09022015). Collection method: clinical testing. Allele origin: germline.

Blueprint Genetics
Classification: Likely benign. Last evaluated: 2024-10-08. Review status: criteria provided, single submitter. Criteria: ACMG Guidelines, 2015. Collection method: clinical testing. Allele origin: germline.

Department of Pathology and Laboratory Medicine, Sinai Health System
Classification: Likely benign for Noonan syndrome 2; LZTR1-related schwannomatosis; Noonan syndrome 10. Last evaluated: 2024-05-17. Review status: criteria provided, single submitter. Criteria: ACMG Guidelines, 2015. Collection method: clinical testing. Allele origin: germline. Affected: yes.

CeGaT Center for Human Genetics Tuebingen
Classification: Likely benign. Last evaluated: 2023-08-01. Review status: criteria provided, single submitter. Criteria: CeGaT Center For Human Genetics Tuebingen Variant Classification Criteria Version 2. Collection method: clinical testing. Allele origin: germline. Affected: yes. Observed: 1 variant allele.
Comment: LZTR1: BP4, BS2

Women's Health and Genetics/Laboratory Corporation of America, LabCorp
Classification: Benign. Last evaluated: 2020-04-06. Review status: criteria provided, single submitter. Criteria: LabCorp Variant Classification Summary - May 2015. Collection method: clinical testing. Allele origin: germline.
Comment: Variant summary: LZTR1 c.263+7_263+10delGAGT alters nucleotides located close to a canonical splice site and therefore could affect mRNA splicing, leading to a significantly altered protein sequence. 4/4 computational tools predict no significant impact on normal splicing. However, these predictions have yet to be confirmed by functional studies. The variant allele was found at a frequency of 0.00037 in 251470 control chromosomes, predominantly at a frequency of 0.0048 within the East Asian subpopulation in the gnomAD database, including 2 homozygotes. The observed variant frequency within East Asian control individuals in the gnomAD database is approximately 960 fold of the estimated maximal expected allele frequency for a pathogenic variant in LZTR1 causing Noonan Syndrome and Related Conditions phenotype (5e-06), strongly suggesting that the variant is a benign polymorphism found primarily in populations of East Asian origin. To our knowledge, no occurrence of c.263+7_263+10delGAGT in individuals affected with Noonan Syndrome and Related Conditions and no experimental evidence demonstrating its impact on protein function have been reported. No clinical diagnostic laboratories have submitted clinical-significance assessments for this variant to ClinVar after 2014. Based on the evidence outlined above, the variant was classified as benign.

NM_006767.4(LZTR1):c.263+7_263+10del

Gene: LZTR1 (leucine zipper like post translational regulator 1; plus strand). Cytogenetic location: 22q11.21.
Variant type: Microsatellite.
Coding change: c.263+7_263+10del on transcript NM_006767.4 (MANE Select); bases 7 to 10 of the intron after coding-DNA position 263, 4 bases deleted (GAGT; older notation c.263+7_263+10delGAGT).
Molecular consequence: splice donor variant.
Genome position (GRCh38, 1-based): chr22:20,983,096-20,983,099, GAGT deleted; deleting any 4 consecutive bases within chr22:20,983,090-20,983,099 gives the same sequence; the c. name uses the placement nearest the transcript's 3' end. VCF-style (leftmost placement, unchanged base first): chr22-20983089-GGTGA-G. GRCh37 (hg19) VCF-style: chr22-21337378-GGTGA-G.
Identifiers: ClinVar variation 917776 (VCV000917776.34), dbSNP rs765081424, ClinGen allele CA10118324.